The following is an entry in ClinVar:

NM_000039.3(APOA1):c.761T>G (p.Leu254Arg)

Gene: APOA1 (apolipoprotein A1; minus strand). Cytogenetic location: 11q23.3.
Variant type: single nucleotide variant.
Coding change: c.761T>G on transcript NM_000039.3 (MANE Select); coding-DNA position 761, T replaced by G.
Protein change: p.Leu254Arg; replaces leucine 254 with arginine.
Molecular consequence: missense variant.
Genome position (GRCh38, 1-based): chr11:116,835,851, A>C on the plus strand (T>G on the coding strand, the complement: APOA1 is on the minus strand). VCF-style: chr11-116835851-A-C. GRCh37 (hg19) VCF-style: chr11-116706567-A-C.
Other names: c.761T>G, p.Leu254Arg (NM_001318017.2, NM_001318018.2, NM_001425090.1); c.434T>G, p.Leu145Arg (NM_001318021.2, NM_001425091.1, NM_001425092.1); c.716T>G, p.Leu239Arg (NM_001425093.1); short protein forms L145R, L239R, L254R.
Identifiers: ClinVar variation 2829433 (VCV002829433.3), dbSNP rs775381241, ClinGen allele CA6289745.

ClinVar aggregate classification (germline): Uncertain significance (1 of 4 stars; one submission).

Allele frequency attached by ClinVar (database versions not stated): gnomAD exomes 0.00001; ExAC 0.00003.
gnomAD v4.1: 4 of 1,613,170 alleles (0.00025%); highest among the groups gnomAD compares: Non-Finnish European, 0.00034%; no homozygotes.

Submission:

Labcorp Genetics (formerly Invitae), Labcorp
Classification: Uncertain significance. Last evaluated: 2023-01-17. Review status: criteria provided, single submitter. Criteria: Invitae Variant Classification Sherloc (09022015). Collection method: clinical testing. Allele origin: germline.
Comment: This sequence change replaces leucine, which is neutral and non-polar, with arginine, which is basic and polar, at codon 254 of the APOA1 protein (p.Leu254Arg). In summary, the available evidence is currently insufficient to determine the role of this variant in disease. Therefore, it has been classified as a Variant of Uncertain Significance. Advanced modeling of protein sequence and biophysical properties (such as structural, functional, and spatial information, amino acid conservation, physicochemical variation, residue mobility, and thermodynamic stability) performed at Invitae indicates that this missense variant is not expected to disrupt APOA1 protein function. This variant has not been reported in the literature in individuals affected with APOA1-related conditions. This variant is present in population databases (rs775381241, gnomAD 0.003%).